The following is an entry in ClinVar:

NM_000071.3(CBS):c.1654T>G (p.Ter552Gly)

Gene: CBS (cystathionine beta-synthase; minus strand). Cytogenetic location: 21q22.3.
Variant type: single nucleotide variant.
Coding change: c.1654T>G on transcript NM_000071.3 (MANE Select); coding-DNA position 1654, T replaced by G.
Protein change: p.Ter552Gly.
Molecular consequence: stop lost.
Genome position (GRCh38, 1-based): chr21:43,053,882, A>C on the plus strand (T>G on the coding strand, the complement: CBS is on the minus strand). VCF-style: chr21-43053882-A-C. GRCh37 (hg19) VCF-style: chr21-44473992-A-C.
Other names: c.1654T>G, p.Ter552Gly (NM_001178008.3, NM_001178009.3, NM_001320298.2); c.1339T>G, p.Ter447Gly (NM_001321072.1).
Identifiers: ClinVar variation 2181784 (VCV002181784.4), dbSNP rs767500762, ClinGen allele CA321684617.

ClinVar aggregate classification (germline): Uncertain significance. Review status: criteria provided, multiple submitters, no conflicts (2 of 4 stars). 2 submissions from 2 submitters: Uncertain significance (2). Last evaluated 2025-07-02.

Conditions:
HYPERHOMOCYSTEINEMIA, THROMBOTIC, CBS-RELATED. Identifiers: MedGen C3150344, OMIM 236200.
Familial thoracic aortic aneurysm and aortic dissection (TAAD). Also called: Thoracic aortic aneurysms and dissections. Identifiers: Orphanet 91387, MedGen C4707243, MONDO:0019625.

Allele frequency attached by ClinVar (database versions not stated): ExAC 0.00002.

Submissions (2):

Ambry Genetics
Classification: Uncertain significance for Familial thoracic aortic aneurysm and aortic dissection. Last evaluated: 2025-07-02. Review status: criteria provided, single submitter. Criteria: Ambry Variant Classification Scheme 2023. Collection method: clinical testing. Allele origin: germline.
Comment: The c.1654T>G variant (also known as p.*552Gext*31), located in coding exon 15 of the CBS gene, results from a T to G substitution at nucleotide position 1654. This alteration disrupts the stop codon of the CBS gene and is predicted to preserve the native sequence while resulting in the elongation of the protein by 31 amino acids. The exact functional effect of the additional amino acids is unknown. Since supporting evidence is limited at this time, the clinical significance of this alteration remains unclear.

Labcorp Genetics (formerly Invitae), Labcorp
Classification: Uncertain significance for HYPERHOMOCYSTEINEMIA, THROMBOTIC, CBS-RELATED. Last evaluated: 2022-03-04. Review status: criteria provided, single submitter. Criteria: Invitae Variant Classification Sherloc (09022015). Collection method: clinical testing. Allele origin: germline.
Comment: This sequence change disrupts the translational stop signal of the CBS mRNA. It is expected to extend the length of the CBS protein by 31 additional amino acid residues. This variant is present in population databases (rs767500762, gnomAD 0.003%). This variant has not been reported in the literature in individuals affected with CBS-related conditions. Experimental studies and prediction algorithms are not available or were not evaluated, and the functional significance of this variant is currently unknown. In summary, the available evidence is currently insufficient to determine the role of this variant in disease. Therefore, it has been classified as a Variant of Uncertain Significance.